The following is an entry in ClinVar:

NM_003072.5(SMARCA4):c.2239G>A (p.Ala747Thr)

Gene: SMARCA4 (SWI/SNF related BAF chromatin remodeling complex subunit ATPase 4; plus strand). Cytogenetic location: 19p13.2.
Variant type: single nucleotide variant.
Coding change: c.2239G>A on transcript NM_003072.5 (MANE Select); coding-DNA position 2239, G replaced by A.
Protein change: p.Ala747Thr; replaces alanine 747 with threonine.
Molecular consequence: missense variant. On other transcripts: non-coding transcript variant (1).
Genome position (GRCh38, 1-based): chr19:11,010,496, G>A. VCF-style: chr19-11010496-G-A. GRCh37 (hg19) VCF-style: chr19-11121172-G-A.
Other names: c.2239G>A, p.Ala747Thr (NM_001128844.3, NM_001128845.2, NM_001128846.2 and 5 more transcripts); short protein forms A747T.
Identifiers: ClinVar variation 645689 (VCV000645689.13), dbSNP rs1228221272, ClinGen allele CA404052901.
Genomic context (GRCh38, chr19:11,010,496, plus strand): 5'-GGCCTGCAGTCCTACTATGCCGTGGCCCATGCTGTCACTGAGAGAGTGGACAAGCAGTCA[G>A]CGCTTATGGTCAATGGTGTCCTCAAACAGTACCAGGTGAGGTAGGGGGTGGGGAGGCCAC-3'
Protein context (NP_003063.2, residues 737-757): AVTERVDKQS[Ala747Thr]LMVNGVLKQY

ClinVar aggregate classification (germline): Conflicting classifications of pathogenicity. Review status: criteria provided, conflicting classifications (1 of 4 stars). 2 submissions from 2 submitters: Uncertain significance (1); Likely benign (1). Last evaluated 2025-09-27.

Conditions:
Rhabdoid tumor predisposition syndrome 2 (RTPS2). Identifiers: Orphanet 231108, Orphanet 69077, MedGen C2750074, MONDO:0013224, OMIM 613325.
Hereditary cancer-predisposing syndrome. Also called: Hereditary Cancer Syndrome; Tumor predisposition; Hereditary neoplastic syndrome; Neoplastic Syndromes, Hereditary. Identifiers: Orphanet 140162, MedGen C0027672, MeSH D009386, MONDO:0015356.

Allele frequency attached by ClinVar (database versions not stated): gnomAD exomes below 0.00001; gnomAD 0.00001; TOPMed 0.00002.
gnomAD v4.1: 3 of 1,613,968 alleles (0.00019%); highest among the groups gnomAD compares: Middle Eastern, 0.016%; no homozygotes.

Submissions (2):

Labcorp Genetics (formerly Invitae), Labcorp
Classification: Uncertain significance for Rhabdoid tumor predisposition syndrome 2. Last evaluated: 2025-09-27. Review status: criteria provided, single submitter. Criteria: Invitae Variant Classification Sherloc (09022015). Collection method: clinical testing. Allele origin: germline.
Comment: This sequence change replaces alanine, which is neutral and non-polar, with threonine, which is neutral and polar, at codon 747 of the SMARCA4 protein (p.Ala747Thr). This variant is not present in population databases (gnomAD no frequency). This missense change has been observed in individual(s) with clinical features of SMARCA4-related conditions (PMID: 37500730). ClinVar contains an entry for this variant (Variation ID: 645689). Invitae Evidence Modeling of protein sequence and biophysical properties (such as structural, functional, and spatial information, amino acid conservation, physicochemical variation, residue mobility, and thermodynamic stability) indicates that this missense variant is not expected to disrupt SMARCA4 protein function with a negative predictive value of 95%. In summary, the available evidence is currently insufficient to determine the role of this variant in disease. Therefore, it has been classified as a Variant of Uncertain Significance.

Ambry Genetics
Classification: Likely benign for Hereditary cancer-predisposing syndrome. Last evaluated: 2023-10-06. Review status: criteria provided, single submitter. Criteria: Ambry Variant Classification Scheme 2023. Collection method: clinical testing. Allele origin: germline.

Literature cited by the submitters: PubMed 37500730 (cited by Labcorp Genetics (formerly Invitae), Labcorp).